The following is an entry in ClinVar:

ClinVar aggregate classification (germline): Likely benign (1 of 4 stars; one submission).

Submission:

GeneDx
Classification: Likely benign. Last evaluated: 2021-04-18. Review status: criteria provided, single submitter. Criteria: GeneDx Variant Classification Process June 2021. Collection method: clinical testing. Allele origin: germline. Affected: yes.
Comment: See Variant Classification Assertion Criteria.

NM_004429.5(EFNB1):c.-588C>A

Gene: EFNB1 (ephrin B1; plus strand). Cytogenetic location: Xq13.1.
Variant type: single nucleotide variant.
Coding change: c.-588C>A on transcript NM_004429.5 (MANE Select); 588 bases upstream of the start codon, C replaced by A.
Molecular consequence: 5 prime UTR variant.
Genome position (GRCh38, 1-based): chrX:68,829,189, C>A. VCF-style: chrX-68829189-C-A. GRCh37 (hg19) VCF-style: chrX-68049032-C-A.
Identifiers: ClinVar variation 3340970 (VCV003340970.1).